The following is an entry in ClinVar:

NM_001122630.2(CDKN1C):c.41_44del (p.Val14fs)

Gene: CDKN1C (cyclin dependent kinase inhibitor 1C; minus strand). Cytogenetic location: 11p15.4.
Variant type: Deletion.
Coding change: c.41_44del on transcript NM_001122630.2 (MANE Select); coding-DNA positions 41 to 44, 4 bases deleted (TGCG; older notation c.41_44delTGCG).
Protein change: p.Val14fs; shifts the reading frame from valine 14.
Molecular consequence: frameshift variant.
Genome position (GRCh38, 1-based): chr11:2,885,413-2,885,416, CGCA deleted on the plus strand (TGCG on the coding strand, the reverse complement: CDKN1C is on the minus strand); deleting any 4 consecutive bases within chr11:2,885,413-2,885,417 gives the same sequence; the c. name uses the placement nearest the transcript's 3' end. VCF-style (leftmost placement, unchanged base first): chr11-2885412-GCGCA-G. GRCh37 (hg19) VCF-style: chr11-2906642-GCGCA-G.
Other names: c.74_77del, p.Val25fs (NM_000076.2, NM_001362474.2); c.41_44del, p.Val14fs (NM_001122631.2, NM_001362475.2); short protein forms V14fs, V25fs.
Identifiers: ClinVar variation 2771976 (VCV002771976.3), dbSNP rs2494390913, ClinGen allele CA2697548344.

ClinVar aggregate classification (germline): Pathogenic (1 of 4 stars; one submission).

Conditions:
Beckwith-Wiedemann syndrome (BWS). Also called: EMG SYNDROME; Exomphalos macroglossia gigantism syndrome. Identifiers: Orphanet 116, MedGen C0004903, MONDO:0007534, OMIM 130650.

Submission:

Labcorp Genetics (formerly Invitae), Labcorp
Classification: Pathogenic for Beckwith-Wiedemann syndrome. Last evaluated: 2023-10-27. Review status: criteria provided, single submitter. Criteria: Invitae Variant Classification Sherloc (09022015). Collection method: clinical testing. Allele origin: germline.
Comment: This sequence change creates a premature translational stop signal (p.Val25Alafs*17) in the CDKN1C gene. It is expected to result in an absent or disrupted protein product. Loss-of-function variants in CDKN1C are known to be pathogenic (PMID: 20503313). This variant is not present in population databases (gnomAD no frequency). This variant has not been reported in the literature in individuals affected with CDKN1C-related conditions. For these reasons, this variant has been classified as Pathogenic.

Literature cited by the submitters: PubMed 20503313.